The following is an entry in ClinVar:

NM_000038.6(APC):c.5980del (p.Asp1994fs)

Gene: APC (APC regulator of Wnt signaling pathway; plus strand). Cytogenetic location: 5q22.2.
Variant type: Deletion.
Coding change: c.5980del on transcript NM_000038.6 (MANE Select); coding-DNA position 5980, one base deleted (G; older notation c.5980delG).
Protein change: p.Asp1994fs; shifts the reading frame from aspartic acid 1994.
Molecular consequence: frameshift variant. On other transcripts: non-coding transcript variant (2).
Genome position (GRCh38, 1-based): chr5:112,841,574, G deleted. VCF-style (leftmost placement, unchanged base first): chr5-112841573-TG-T. GRCh37 (hg19) VCF-style: chr5-112177270-TG-T.
Other names: c.5980del, p.Asp1994fs (NM_001127510.3, NM_001354895.2, NM_001407450.1); c.5926del, p.Asp1976fs (NM_001127511.3); c.6034del, p.Asp2012fs (NM_001354896.2, NM_001407447.1, NM_001407448.1 and 1 more transcripts); c.6010del, p.Asp2004fs (NM_001354897.2); c.5905del, p.Asp1969fs (NM_001354898.2); c.5896del, p.Asp1966fs (NM_001354899.2); c.5857del, p.Asp1953fs (NM_001354900.2); c.5803del, p.Asp1935fs (NM_001354901.2, NM_001407453.1); and 11 more; short protein forms D1610fs, D1984fs, D2022fs, D1868fs, D1935fs, D1953fs, D1966fs, D1994fs.
Identifiers: ClinVar variation 2754124 (VCV002754124.3), dbSNP rs2533682415, ClinGen allele CA2697546374.
Genomic context (GRCh38, chr5:112,841,573, plus strand): 5'-TGACATTGACCAAGAAAACAACAATAAAGAAAATGAACCTATCAAAGAGACTGAGCCCCC[TG>T]ACTCACAGGGAGAACCAAGTAAACCTCAAGCATCAGGCTATGCTCCTAAATCATTTCATG-3'

ClinVar aggregate classification (germline): Pathogenic (1 of 4 stars; one submission).

Conditions:
Familial adenomatous polyposis 1 (FAP1). Also called: POLYPOSIS, ADENOMATOUS INTESTINAL; FAMILIAL ADENOMATOUS POLYPOSIS 1, ATTENUATED. Identifiers: MedGen C2713442, MONDO:0021056, OMIM 175100. Disease mechanism: loss of function.

Submission:

Labcorp Genetics (formerly Invitae), Labcorp
Classification: Pathogenic for Familial adenomatous polyposis 1. Last evaluated: 2023-08-20. Review status: criteria provided, single submitter. Criteria: Invitae Variant Classification Sherloc (09022015). Collection method: clinical testing. Allele origin: germline.
Comment: This sequence change creates a premature translational stop signal (p.Asp1994Thrfs*50) in the APC gene. While this is not anticipated to result in nonsense mediated decay, it is expected to disrupt the last 850 amino acid(s) of the APC protein. This variant is not present in population databases (gnomAD no frequency). This variant has not been reported in the literature in individuals affected with APC-related conditions. A different truncation (p.Tyr2645Lysfs*14) that lies downstream of this variant has been determined to be pathogenic (PMID: 9824584, 1316610, 27081525, 8381579, 22135120, Invitae). This suggests that deletion of this region of the APC protein is causative of disease. For these reasons, this variant has been classified as Pathogenic. This variant is expected to disrupt the EB1 and HDLG binding sites, which mediate interactions with the cytoskeleton (PMID: 15311282, 17293347). While functional studies have not been performed to directly test the effect on APC protein function, this suggests that disruption of the C-terminal portion of the protein is functionally important.

Literature cited by the submitters: PubMed 9824584; PubMed 1316610; PubMed 27081525; PubMed 8381579; PubMed 22135120; PubMed 15311282; PubMed 17293347.